The following is an entry in ClinVar:

NM_001606.5(ABCA2):c.3168C>T (p.Ile1056=)

Gene: ABCA2 (ATP binding cassette subfamily A member 2; minus strand). Cytogenetic location: 9q34.3.
Variant type: single nucleotide variant.
Coding change: c.3168C>T on transcript NM_001606.5 (MANE Select); coding-DNA position 3168, C replaced by T.
Protein change: p.Ile1056=; no amino-acid change (isoleucine 1056 retained).
Molecular consequence: synonymous variant.
Genome position (GRCh38, 1-based): chr9:137,016,111, G>A on the plus strand (C>T on the coding strand, the complement: ABCA2 is on the minus strand). VCF-style: chr9-137016111-G-A. GRCh37 (hg19) VCF-style: chr9-139910563-G-A.
Other names: c.3165C>T, p.Ile1055= (NM_001411042.1); c.3258C>T, p.Ile1086= (NM_212533.3).
Identifiers: ClinVar variation 2659781 (VCV002659781.25), dbSNP rs77943336, ClinGen allele CA5354852.

ClinVar aggregate classification (germline): Likely benign. Review status: criteria provided, multiple submitters, no conflicts (2 of 4 stars). 2 submissions from 2 submitters: Likely benign (2). Last evaluated 2024-11-05.

Allele frequency attached by ClinVar (database versions not stated): gnomAD exomes 0.00029; ExAC 0.00091; ESP Exome Variant Server 0.00235; gnomAD 0.00279; TOPMed 0.00322; 1000 Genomes Project 30x 0.00484; 1000 Genomes Project 0.00559.
gnomAD v4.1: 887 of 1,612,882 alleles (0.055%); highest among the groups gnomAD compares: African/African-American, 1%; 5 homozygotes.

Submissions (2):

Blueprint Genetics
Classification: Likely benign. Last evaluated: 2024-11-05. Review status: criteria provided, single submitter. Criteria: ACMG Guidelines, 2015. Collection method: clinical testing. Allele origin: germline.

CeGaT Center for Human Genetics Tuebingen
Classification: Likely benign. Last evaluated: 2022-11-01. Review status: criteria provided, single submitter. Criteria: CeGaT Center For Human Genetics Tuebingen Variant Classification Criteria Version 2. Collection method: clinical testing. Allele origin: germline. Affected: yes. Observed: 1 variant allele.
Comment: ABCA2: BP4, BP7, BS2